The following is an entry in ClinVar:

NM_052945.4(TNFRSF13C):c.404C>T (p.Pro135Leu)

Gene: TNFRSF13C (TNF receptor superfamily member 13C; minus strand). Cytogenetic location: 22q13.2.
Variant type: single nucleotide variant.
Coding change: c.404C>T on transcript NM_052945.4 (MANE Select); coding-DNA position 404, C replaced by T.
Protein change: p.Pro135Leu; replaces proline 135 with leucine.
Molecular consequence: missense variant.
Genome position (GRCh38, 1-based): chr22:41,925,518, G>A on the plus strand (C>T on the coding strand, the complement: TNFRSF13C is on the minus strand). VCF-style: chr22-41925518-G-A. GRCh37 (hg19) VCF-style: chr22-42321522-G-A.
Other names: short protein forms P135L.
Identifiers: ClinVar variation 4749550 (VCV004749550.1).

ClinVar aggregate classification (germline): Uncertain significance (1 of 4 stars; one submission).

Conditions:
Immunodeficiency, common variable, 4. Also called: ANTIBODY DEFICIENCY DUE TO BAFFR DEFECT. Identifiers: Orphanet 1572, Orphanet 696925, MedGen C3150739, MONDO:0013284, OMIM 613494.

gnomAD v4.1: 6 of 1,613,388 alleles (0.00037%); highest among the groups gnomAD compares: East Asian, 0.0045%; no homozygotes.

Submission:

Labcorp Genetics (formerly Invitae), Labcorp
Classification: Uncertain significance for Immunodeficiency, common variable, 4. Last evaluated: 2025-10-07. Review status: criteria provided, single submitter. Criteria: Invitae Variant Classification Sherloc (09022015). Collection method: clinical testing. Allele origin: germline.
Comment: This sequence change replaces proline, which is neutral and non-polar, with leucine, which is neutral and non-polar, at codon 135 of the TNFRSF13C protein (p.Pro135Leu). This variant is not present in population databases (gnomAD no frequency). This variant has not been reported in the literature in individuals affected with TNFRSF13C-related conditions. An algorithm developed to predict the effect of missense changes on protein structure and function outputs the following: PolyPhen-2: "Benign". The leucine amino acid residue is found in multiple mammalian species, which suggests that this missense change does not adversely affect protein function. In summary, the available evidence is currently insufficient to determine the role of this variant in disease. Therefore, it has been classified as a Variant of Uncertain Significance.